The following is an entry in ClinVar:

ClinVar aggregate classification (germline): Benign. Review status: criteria provided, multiple submitters, no conflicts (2 of 4 stars). 4 submissions from 4 submitters: Benign (3). 1 of the submissions does not count toward it. Last evaluated 2021-05-04.

Conditions:
DNAH17-related disorder. Also called: DNAH17-related condition.

Allele frequency attached by ClinVar (database versions not stated): 1000 Genomes Project 0.94010; 1000 Genomes Project 30x 0.94347; gnomAD 0.94572 and 0.94663; ESP Exome Variant Server 0.95118; TOPMed 0.95195; gnomAD exomes 0.95555.
gnomAD v4.1: 1,539,996 of 1,613,294 alleles (95%); highest among the groups gnomAD compares: Non-Finnish European, 96%; 735,375 homozygotes.

Submissions (4):

GeneDx
Classification: Benign. Last evaluated: 2021-05-04. Review status: criteria provided, single submitter. Criteria: GeneDx Variant Classification Process June 2021. Collection method: clinical testing. Allele origin: germline. Affected: yes.

Laboratory for Molecular Medicine, Mass General Brigham Personalized Medicine
Classification: Benign. Last evaluated: 2016-03-29. Review status: criteria provided, single submitter. Criteria: LMM Criteria. Collection method: clinical testing. Allele origin: germline.
Comment: Variant identified in a genome or exome case(s) and assessed due to predicted null impact of the variant or pathogenic assertions in the literature or databases. Disclaimer: This variant has not undergone full assessment. The following are preliminary notes: MAF

Breakthrough Genomics
Classification: Benign. Review status: criteria provided, single submitter. Criteria: ACMG Guidelines, 2015. Collection method: not provided. Allele origin: germline. Inheritance: Autosomal recessive inheritance. Affected: yes.

PreventionGenetics, part of Exact Sciences
Classification: Benign for DNAH17-related condition. Last evaluated: 2019-10-22. Review status: no assertion criteria provided. Collection method: clinical testing. Allele origin: germline. Not counted in ClinVar's aggregate classification.
Comment: This variant is classified as benign based on ACMG/AMP sequence variant interpretation guidelines (Richards et al. 2015 PMID: 25741868, with internal and published modifications).

NM_173628.4(DNAH17):c.1770A>G (p.Lys590=)

Gene: DNAH17 (dynein axonemal heavy chain 17; minus strand). Cytogenetic location: 17q25.3.
Variant type: single nucleotide variant.
Coding change: c.1770A>G on transcript NM_173628.4 (MANE Select); coding-DNA position 1770, A replaced by G.
Protein change: p.Lys590=; no amino-acid change (lysine 590 retained).
Molecular consequence: synonymous variant.
Genome position (GRCh38, 1-based): chr17:78,561,780, T>C on the plus strand (A>G on the coding strand, the complement: DNAH17 is on the minus strand). VCF-style: chr17-78561780-T-C. GRCh37 (hg19) VCF-style: chr17-76557862-T-C.
Identifiers: ClinVar variation 402701 (VCV000402701.9), dbSNP rs894966, ClinGen allele CA8805026.